The following is an entry in ClinVar:

ClinVar aggregate classification (germline): Uncertain significance (1 of 4 stars; one submission).

Conditions:
Frontotemporal dementia and/or amyotrophic lateral sclerosis 4. Also called: FTDALS4. Identifiers: Orphanet 275872, MedGen C4225325, MONDO:0014641, OMIM 616439.

Submission:

Labcorp Genetics (formerly Invitae), Labcorp
Classification: Uncertain significance for Frontotemporal dementia and/or amyotrophic lateral sclerosis 4. Last evaluated: 2025-08-09. Review status: criteria provided, single submitter. Criteria: Invitae Variant Classification Sherloc (09022015). Collection method: clinical testing. Allele origin: germline.
Comment: This sequence change replaces isoleucine, which is neutral and non-polar, with methionine, which is neutral and non-polar, at codon 669 of the TBK1 protein (p.Ile669Met). This variant is not present in population databases (gnomAD no frequency). This missense change has been observed in individual(s) with frontotemporal dementia (internal data). Invitae Evidence Modeling of protein sequence and biophysical properties (such as structural, functional, and spatial information, amino acid conservation, physicochemical variation, residue mobility, and thermodynamic stability) indicates that this missense variant is not expected to disrupt TBK1 protein function with a negative predictive value of 95%. In summary, the available evidence is currently insufficient to determine the role of this variant in disease. Therefore, it has been classified as a Variant of Uncertain Significance.

NM_013254.4(TBK1):c.2007C>G (p.Ile669Met)

Gene: TBK1 (TANK binding kinase 1; plus strand). Cytogenetic location: 12q14.2.
Variant type: single nucleotide variant.
Coding change: c.2007C>G on transcript NM_013254.4 (MANE Select); coding-DNA position 2007, C replaced by G.
Protein change: p.Ile669Met; replaces isoleucine 669 with methionine.
Molecular consequence: missense variant.
Genome position (GRCh38, 1-based): chr12:64,497,695, C>G. VCF-style: chr12-64497695-C-G. GRCh37 (hg19) VCF-style: chr12-64891475-C-G.
Other names: short protein forms I669M.
Identifiers: ClinVar variation 4703950 (VCV004703950.1).
Genomic context (GRCh38, chr12:64,497,695, plus strand): 5'-TTTGATGTTTCAGTTACAAGAAACTCTGCCTCAGAAAATGTTTACAGCTTCCAGTGGAAT[C>G]AAACATACCATGACCCCAATTTATCCAAGTTCTAACACATTAGTAGAAATGACTCTTGGG-3'
Protein context (NP_037386.1, residues 659-679): PQKMFTASSG[Ile669Met]KHTMTPIYPS